The following is an entry in ClinVar:

ClinVar aggregate classification (germline): Pathogenic (1 of 4 stars; one submission).

Submission:

Athena Diagnostics
Classification: Pathogenic. Last evaluated: 2018-12-20. Review status: criteria provided, single submitter. Criteria: Athena Diagnostics Criteria. Collection method: clinical testing. Allele origin: germline.
Comment: The variant results in a shift of the reading frame, and is therefore predicted to result in the loss of a functional protein. Found in at least one symptomatic patient, and not found in general population data.

NM_000388.4(CASR):c.2097del (p.Asn700fs)

Gene: CASR (calcium sensing receptor; plus strand). Cytogenetic location: 3q21.1.
Variant type: Deletion.
Coding change: c.2097del on transcript NM_000388.4 (MANE Select); coding-DNA position 2097, one base deleted (C; older notation c.2097delC).
Protein change: p.Asn700fs; shifts the reading frame from asparagine 700.
Molecular consequence: frameshift variant.
Genome position (GRCh38, 1-based): chr3:122,284,051, C deleted; the last of 2 consecutive C bases (chr3:122,284,050-122,284,051); deleting either gives the same sequence. VCF-style (leftmost placement, unchanged base first): chr3-122284049-AC-A. GRCh37 (hg19) VCF-style: chr3-122002896-AC-A.
Other names: c.2127del, p.Asn710fs (NM_001178065.2); short protein forms N700fs, N710fs.
Identifiers: ClinVar variation 804662 (VCV000804662.1), dbSNP rs1576877427, ClinGen allele CA915941531.
Genomic context (GRCh38, chr3:122,284,049, plus strand): 5'-CTGCGCCAGCCGGCCTTTGGCATCAGCTTCGTGCTCTGCATCTCATGCATCCTGGTGAAA[AC>A]CAACCGTGTCCTCCTGGTGTTTGAGGCCAAGATCCCCACCAGCTTCCACCGCAAGTGGTG-3'